The following is an entry in ClinVar:

ClinVar aggregate classification (germline): Uncertain significance (1 of 4 stars; one submission).

Submission:

GeneDx
Classification: Uncertain significance. Last evaluated: 2023-10-15. Review status: criteria provided, single submitter. Criteria: GeneDx Variant Classification Process June 2021. Collection method: clinical testing. Allele origin: germline. Affected: yes.
Comment: Not observed at significant frequency in large population cohorts (gnomAD); In silico analysis supports that this missense variant does not alter protein structure/function; Has not been previously published as pathogenic or benign to our knowledge

NM_182931.3(KMT2E):c.1429T>A (p.Ser477Thr)

Gene: KMT2E (lysine methyltransferase 2E (inactive); plus strand). Cytogenetic location: 7q22.3.
Variant type: single nucleotide variant.
Coding change: c.1429T>A on transcript NM_182931.3 (MANE Select); coding-DNA position 1429, T replaced by A.
Protein change: p.Ser477Thr; replaces serine 477 with threonine.
Molecular consequence: missense variant.
Genome position (GRCh38, 1-based): chr7:105,090,079, T>A. VCF-style: chr7-105090079-T-A. GRCh37 (hg19) VCF-style: chr7-104730526-T-A.
Other names: c.1429T>A, p.Ser477Thr (NM_001410908.1, NM_018682.4); short protein forms S477T.
Identifiers: ClinVar variation 3252669 (VCV003252669.1), dbSNP rs2536461959.
Genomic context (GRCh38, chr7:105,090,079, plus strand): 5'-GTGGACTGTGCATGCCTCAAAGAAAACCCAGAGTGCCCTGTTCTAAAACGTAGTTCTGAA[T>A]CCATGGAAAATATCAATAGTGGTTATGAGACCAGACGGAAAAAAGGAAAAAAAGACAAAG-3'
Protein context (NP_891847.1, residues 467-487): ECPVLKRSSE[Ser477Thr]MENINSGYET